The following is an entry in ClinVar:

NM_004415.4(DSP):c.5218G>A (p.Glu1740Lys)

Gene: DSP (desmoplakin; plus strand). Cytogenetic location: 6p24.3.
Variant type: single nucleotide variant.
Coding change: c.5218G>A on transcript NM_004415.4 (MANE Select); coding-DNA position 5218, G replaced by A.
Protein change: p.Glu1740Lys; replaces glutamic acid 1740 with lysine.
Molecular consequence: missense variant. On other transcripts: intron variant (2).
Genome position (GRCh38, 1-based): chr6:7,581,408, G>A. VCF-style: chr6-7581408-G-A. GRCh37 (hg19) VCF-style: chr6-7581641-G-A.
Other names: p.E1740K:GAA>AAA; c.4050+1168G>A (NM_001319034.2); c.3583-1234G>A (NM_001008844.3); short protein forms E1740K.
Identifiers: ClinVar variation 44926 (VCV000044926.67), dbSNP rs142885240, ClinGen allele CA004588.
Genomic context (GRCh38, chr6:7,581,408, plus strand): 5'-TTAGAAGAAGAACTGCGGAACCTGAGGCTGGAGTACGATGACCTGAGGAGAGGACGAAGC[G>A]AAGCGGACAGTGATAAAAATGCAACCATCTTGGAACTAAGGAGCCAGCTGCAGATCAGCA-3'
Protein context (NP_004406.2, residues 1730-1750): EYDDLRRGRS[Glu1740Lys]ADSDKNATIL

ClinVar aggregate classification (germline): Conflicting classifications of pathogenicity. Review status: criteria provided, conflicting classifications (1 of 4 stars). 25 submissions from 23 submitters: Uncertain significance (3); Benign (2); Likely benign (13). 7 of the submissions do not count toward it. Last evaluated 2026-08-01.

Conditions:
DSP-related disorder. Also called: DSP-related condition; DSP-related disorders.
Cardiovascular phenotype. Identifiers: MedGen CN230736.
Arrhythmogenic right ventricular cardiomyopathy (ARVD). Also called: Arrhythmogenic Right Ventricular Cardiomyopathy (ARVC); Cardiomyopathy, ARVC; Arrhythmogenic right ventricular dysplasia; Arrhythmogenic cardiomyopathy. Identifiers: Orphanet 247, MedGen C0349788, MeSH D019571, MONDO:0016587. Disease mechanism: loss of function. Inheritance: Various modes of inheritance.
Arrhythmogenic cardiomyopathy with wooly hair and keratoderma. Also called: Carvajal syndrome; Dilated cardiomyopathy with woolly hair and keratoderma; Arrhythmogenic cardiomyopathy with woolly hair and keratoderma; PALMOPLANTAR KERATODERMA WITH LEFT VENTRICULAR CARDIOMYOPATHY AND WOOLLY HAIR. Identifiers: Orphanet 65282, MedGen C1854063, MONDO:0011581, OMIM 605676.
Arrhythmogenic right ventricular dysplasia 8 (ARVD8). Also called: Arrhythmogenic Right Ventricular Dysplasia/Cardiomyopathy 8; ARRHYTHMOGENIC RIGHT VENTRICULAR DYSPLASIA, FAMILIAL, 8; ARRHYTHMOGENIC RIGHT VENTRICULAR CARDIOMYOPATHY 8. Identifiers: MedGen C1843896, MONDO:0011831, OMIM 607450.
Long QT syndrome (LQTS). Identifiers: MedGen C0023976, MeSH D008133, MONDO:0002442. Disease mechanism: loss of function. Inheritance: Various modes of inheritance.
Cardiomyopathy (CMYO). Also called: Cardiomyopathies. Identifiers: Orphanet 167848, MedGen C0878544, MONDO:0004994, HP:0001638. Inheritance: Various modes of inheritance.
Woolly hair-skin fragility syndrome (WHSF). Identifiers: Orphanet 293165, MedGen C1843292, MONDO:0957307, OMIM 620415.
Lethal acantholytic epidermolysis bullosa (EBLA). Identifiers: Orphanet 158687, MedGen C1864826, MONDO:0012323, OMIM 609638.
Primary dilated cardiomyopathy (DCM). Also called: Dilated Cardiomyopathy. Identifiers: Orphanet 217604, MedGen C0007193, MeSH D002311, MONDO:0005021, HP:0001644. Inheritance: Various modes of inheritance.
Migraine. Also called: Migraine disorder. Identifiers: MedGen C0149931, MONDO:0005277, HP:0002076.
Hemiplegia. Identifiers: MedGen C0018991, MONDO:0001170, HP:0002301.

Allele frequency attached by ClinVar (database versions not stated): 1000 Genomes Project 0.00040; ESP Exome Variant Server 0.00092; gnomAD 0.00098 and 0.00091; ExAC 0.00124; gnomAD exomes 0.00158 and 0.00142; 1000 Genomes Project 30x 0.00031; TOPMed 0.00125.
gnomAD v4.1: 2,450 of 1,613,490 alleles (0.15%); highest among the groups gnomAD compares: Middle Eastern, 1.7%; 5 homozygotes.

Submissions (25):

CeGaT Center for Human Genetics Tuebingen
Classification: Likely benign. Last evaluated: 2026-08-01. Review status: criteria provided, single submitter. Criteria: CeGaT Center For Human Genetics Tuebingen Variant Classification Criteria Version 2. Collection method: clinical testing. Allele origin: germline. Affected: yes. Observed: 14 variant alleles.
Comment: DSP: BS2

Labcorp Genetics (formerly Invitae), Labcorp
Classification: Likely benign for Arrhythmogenic cardiomyopathy with wooly hair and keratoderma; Arrhythmogenic right ventricular dysplasia 8. Last evaluated: 2026-02-03. Review status: criteria provided, single submitter. Criteria: Invitae Variant Classification Sherloc (09022015). Collection method: clinical testing. Allele origin: germline.

Molecular Diagnostic Laboratory for Inherited Cardiovascular Disease, Montreal Heart Institute
Classification: Likely benign. Last evaluated: 2025-02-17. Review status: criteria provided, single submitter. Criteria: ACMG Guidelines, 2015. Collection method: clinical testing. Allele origin: germline. Affected: no.

Blueprint Genetics
Classification: Likely benign. Last evaluated: 2024-11-25. Review status: criteria provided, single submitter. Criteria: ACMG Guidelines, 2015. Collection method: clinical testing. Allele origin: germline.

Dept of Medical Biology, Uskudar University
Classification: Uncertain significance for Long QT syndrome. Last evaluated: 2024-01-08. Review status: criteria provided, single submitter. Criteria: Dept of Medical Biology Variant Classification. Collection method: research. Allele origin: paternal. Affected: yes. Observed: 1 variant allele.
Comment: Criteria: BS1

Revvity Omics, Revvity
Classification: Likely benign. Last evaluated: 2023-09-07. Review status: criteria provided, single submitter. Criteria: ACMG Guidelines, 2015. Collection method: clinical testing. Allele origin: germline.

Mayo Clinic Laboratories, Mayo Clinic
Classification: Benign. Last evaluated: 2022-05-27. Review status: criteria provided, single submitter. Criteria: ACMG Guidelines, 2015. Collection method: clinical testing. Allele origin: germline. Observed: 5 variant alleles.
Comment: BS1, BS2

CHEO Genetics Diagnostic Laboratory, Children's Hospital of Eastern Ontario
Classification: Benign for Cardiomyopathy. Last evaluated: 2021-04-14. Review status: criteria provided, single submitter. Criteria: ACMG Guidelines, 2015. Collection method: clinical testing. Allele origin: germline. Study: Canadian Open Genetics Repository.

GeneDx
Classification: Likely benign. Last evaluated: 2021-03-13. Review status: criteria provided, single submitter. Criteria: GeneDx Variant Classification Process June 2021. Collection method: clinical testing. Allele origin: germline. Affected: yes.
Comment: This variant is associated with the following publications: (PMID: 21606396, 31395126, 26230511, 23861362, 26656175, 27153395, 27435932, 24503780, 30821013)

Laboratory for Molecular Medicine, Mass General Brigham Personalized Medicine
Classification: Likely benign. Last evaluated: 2020-04-20. Review status: criteria provided, single submitter. Criteria: LMM Criteria. Collection method: clinical testing. Allele origin: germline. Observed: 14 variant alleles.
Comment: The p.Glu1740Lys variant in DSP is classified as likely benign because it has been identified in 0.2% (73/35312) of Latino and 0.18% (229/129084) of European chromosomes, including 1 homozygous individual by gnomAD. It has also been reported in >10 individuals with a range of cardiomyopathy phenotypes (ARVC, DCM, HCM, RCM, Brugada syndrome, ventricular tachycardia), and it has segregated with Brugada syndrome in 1 affected relative from 1 family (Cox 2011, Allegue 2015, Bottillo 2016, LMM data). However, these diseases have different underlying molecular mechanisms, and furthermore, several of these probands were compound or double heterozygous with a presumed pathogenic variant. In summary, this variant is likely benign due to its elevated frequency in the general population, presence of phenotypes with different underlying molecular mechanisms in reported cases, as well as cases that had other more likely causative variants identified. ACMG/AMP Criteria applied: BS1, BP5, BP4.

Ambry Genetics
Classification: Likely benign for Cardiovascular phenotype. Last evaluated: 2018-08-01. Review status: criteria provided, single submitter. Criteria: Ambry Variant Classification Scheme 2023. Collection method: clinical testing. Allele origin: germline.

Color Diagnostics, LLC DBA Color Health
Classification: Likely benign for Cardiomyopathy. Last evaluated: 2018-03-16. Review status: criteria provided, single submitter. Criteria: ACMG Guidelines, 2015. Collection method: clinical testing. Allele origin: germline.

Illumina Laboratory Services, Illumina
Classification: Likely benign for Lethal acantholytic epidermolysis bullosa. Last evaluated: 2017-04-27. Review status: criteria provided, single submitter. Criteria: ICSL Variant Classification Criteria 13 December 2019. Collection method: clinical testing. Allele origin: germline.
Comment: This variant was observed as part of a predisposition screen in an ostensibly healthy population. A literature search was performed for the gene, cDNA change, and amino acid change (where applicable). No publications were found based on this search. Allele frequency data from public databases allowed determination this variant is unlikely to cause disease. Therefore, this variant is classified as likely benign.

Illumina Laboratory Services, Illumina
Classification: Likely benign for Arrhythmogenic right ventricular dysplasia 8. Last evaluated: 2017-04-27. Review status: criteria provided, single submitter. Criteria: ICSL Variant Classification Criteria 13 December 2019. Collection method: clinical testing. Allele origin: germline.
Comment: the same text as in the submission from Illumina Laboratory Services, Illumina above.

Illumina Laboratory Services, Illumina
Classification: Likely benign for Arrhythmogenic cardiomyopathy with wooly hair and keratoderma. Last evaluated: 2017-04-27. Review status: criteria provided, single submitter. Criteria: ICSL Variant Classification Criteria 13 December 2019. Collection method: clinical testing. Allele origin: germline.
Comment: the same text as in the submission from Illumina Laboratory Services, Illumina above.

Eurofins Ntd Llc (ga)
Classification: Uncertain significance. Last evaluated: 2016-11-23. Review status: criteria provided, single submitter. Criteria: EGL Classification Definitions 2015. Collection method: clinical testing. Allele origin: germline. Observed: 1 variant allele, 1 heterozygote.

Centre for Mendelian Genomics, University Medical Centre Ljubljana
Classification: Uncertain significance for Primary dilated cardiomyopathy; Hemiplegia; Migraine. Last evaluated: 2014-11-24. Review status: criteria provided, single submitter. Criteria: ACMG Guidelines, 2015. Collection method: clinical testing. Allele origin: unknown. Affected: yes.

Biesecker Lab/Clinical Genomics Section, National Institutes of Health
Classification: Likely benign. Last evaluated: 2013-06-24. Review status: criteria provided, single submitter. Criteria: Ng et al. (Circ Cardiovasc Genet. 2013). Collection method: research. Allele origin: unknown. Observed: 3 variant alleles. Study: ClinSeq.
Comment: The study set was not selected for affection status in relation to any cancer. Pathogenicity categories were based on literature curation. See Pubmed ID:23861362 for details.

Medical sequencing

PreventionGenetics, part of Exact Sciences
Classification: Likely benign for DSP-related condition. Last evaluated: 2023-06-14. Review status: no assertion criteria provided. Collection method: clinical testing. Allele origin: germline. Not counted in ClinVar's aggregate classification.
Comment: This variant is classified as likely benign based on ACMG/AMP sequence variant interpretation guidelines (Richards et al. 2015 PMID: 25741868, with internal and published modifications).

CSER _CC_NCGL, University of Washington
Classification: Likely benign for Arrhythmogenic right ventricular dysplasia. Last evaluated: 2016-08-01. Review status: no assertion criteria provided. Collection method: research. Allele origin: germline. Inheritance: Autosomal dominant inheritance. Study: CSER - NEXT Medicine variant annotation. Not counted in ClinVar's aggregate classification.

Clinical Genetics DNA and cytogenetics Diagnostics Lab, Erasmus MC, Erasmus Medical Center
Classification: Likely benign. Review status: no assertion criteria provided. Collection method: clinical testing. Allele origin: germline. Affected: yes. Study: VKGL Data-share Consensus. Not counted in ClinVar's aggregate classification.

Clinical Genetics, Academic Medical Center
Classification: Benign. Review status: no assertion criteria provided. Collection method: clinical testing. Allele origin: germline. Affected: yes. Study: VKGL Data-share Consensus. Not counted in ClinVar's aggregate classification.

Diagnostic Laboratory, Department of Genetics, University Medical Center Groningen
Classification: Likely benign. Review status: no assertion criteria provided. Collection method: clinical testing. Allele origin: germline. Affected: yes. Study: VKGL Data-share Consensus. Not counted in ClinVar's aggregate classification.

Genome Diagnostics Laboratory, University Medical Center Utrecht
Classification: Likely benign. Review status: no assertion criteria provided. Collection method: clinical testing. Allele origin: germline. Affected: yes. Study: VKGL Data-share Consensus. Not counted in ClinVar's aggregate classification.

Joint Genome Diagnostic Labs from Nijmegen and Maastricht, Radboudumc and MUMC+
Classification: Likely benign. Review status: no assertion criteria provided. Collection method: clinical testing. Allele origin: germline. Affected: yes. Study: VKGL Data-share Consensus. Not counted in ClinVar's aggregate classification.

Literature cited by the submitters: PubMed 21606396 (cited by 3 submitters); PubMed 26230511 (cited by 3 submitters); PubMed 26656175 (cited by Mayo Clinic Laboratories, Mayo Clinic and Laboratory for Molecular Medicine, Mass General Brigham Personalized Medicine); PubMed 30821013 (cited by Mayo Clinic Laboratories, Mayo Clinic); PubMed 32746448 (cited by Mayo Clinic Laboratories, Mayo Clinic); PubMed 24503780 (cited by Laboratory for Molecular Medicine, Mass General Brigham Personalized Medicine and Ambry Genetics); PubMed 23292937 (cited by Laboratory for Molecular Medicine, Mass General Brigham Personalized Medicine); PubMed 27153395 (cited by Laboratory for Molecular Medicine, Mass General Brigham Personalized Medicine); PubMed 23861362 (cited by Ambry Genetics).